The following is an entry in ClinVar:

NM_000186.4(CFH):c.3559C>G (p.Gln1187Glu)

Gene: CFH (complement factor H; plus strand). Cytogenetic location: 1q31.3.
Variant type: single nucleotide variant.
Coding change: c.3559C>G on transcript NM_000186.4 (MANE Select); coding-DNA position 3559, C replaced by G.
Protein change: p.Gln1187Glu; replaces glutamine 1187 with glutamic acid.
Molecular consequence: missense variant.
Genome position (GRCh38, 1-based): chr1:196,747,176, C>G. VCF-style: chr1-196747176-C-G. GRCh37 (hg19) VCF-style: chr1-196716306-C-G.
Other names: short protein forms Q1187E.
Identifiers: ClinVar variation 4291608 (VCV004291608.1).

ClinVar aggregate classification (germline): Uncertain significance (1 of 4 stars; one submission).

Conditions:
Atypical hemolytic-uremic syndrome. Identifiers: Orphanet 2134, MedGen C2931788, MONDO:0016244.
Basal laminar drusen. Also called: DRUSEN OF BRUCH MEMBRANE; DRUSEN, CUTICULAR; DRUSEN, EARLY ADULT-ONSET, GROUPED. Identifiers: Orphanet 75376, MedGen C0730295, MONDO:0007472, OMIM 126700.
Factor H deficiency (CFHD). Also called: COMPLEMENT FACTOR H DEFICIENCY; CFH DEFICIENCY. Identifiers: Orphanet 200421, MedGen C0398777, MONDO:0012350, OMIM 609814.
Age related macular degeneration 4. Identifiers: MedGen C1853147, MONDO:0012540, OMIM 610698.

Submission:

Genomenon, Inc
Classification: Uncertain significance for Basal laminar drusen; Age related macular degeneration 4; Atypical hemolytic-uremic syndrome; Factor H deficiency. Last evaluated: 2025-10-02. Review status: criteria provided, single submitter. Criteria: Genomenon Sequence Variant Interpretation Standards - Updated. Collection method: curation. Allele origin: germline. Affected: no.
Comment: CFH p.Gln1187Glu (c.3559C>G) is a missense variant that changes the amino acid at residue 1187 from Glutamine to Glutamic acid. This variant has been reported in the published literature (PMID:21531728). It is absent or not present at a significant frequency in gnomAD. In silico models agree that this variant is not damaging. In conclusion, we classify CFH p.Gln1187Glu (c.3559C>G) as a variant of uncertain significance.

Literature cited by the submitters: PubMed 21531728.